The following is an entry in ClinVar:

NM_003784.4(SERPINB7):c.715G>A (p.Val239Ile)

Gene: SERPINB7 (serpin family B member 7; plus strand). Cytogenetic location: 18q21.33.
Variant type: single nucleotide variant.
Coding change: c.715G>A on transcript NM_003784.4 (MANE Select); coding-DNA position 715, G replaced by A.
Protein change: p.Val239Ile; replaces valine 239 with isoleucine.
Molecular consequence: missense variant.
Genome position (GRCh38, 1-based): chr18:63,800,983, G>A. VCF-style: chr18-63800983-G-A. GRCh37 (hg19) VCF-style: chr18-61468217-G-A.
Other names: c.715G>A, p.Val239Ile (NM_001040147.3, NM_001261830.2); c.664G>A, p.Val222Ile (NM_001261831.2); short protein forms V222I, V239I.
Identifiers: ClinVar variation 2157238 (VCV002157238.4), dbSNP rs374861587, ClinGen allele CA8989513.

ClinVar aggregate classification (germline): Uncertain significance (1 of 4 stars; one submission).

Allele frequency attached by ClinVar (database versions not stated): gnomAD 0.00005; gnomAD exomes 0.00005; ExAC 0.00008; ESP Exome Variant Server 0.00008; 1000 Genomes Project 30x 0.00016; 1000 Genomes Project 0.00020.
gnomAD v4.1: 98 of 1,613,784 alleles (0.0061%); highest among the groups gnomAD compares: East Asian, 0.011%; no homozygotes.

Submission:

Labcorp Genetics (formerly Invitae), Labcorp
Classification: Uncertain significance. Last evaluated: 2025-08-21. Review status: criteria provided, single submitter. Criteria: Invitae Variant Classification Sherloc (09022015). Collection method: clinical testing. Allele origin: germline.
Comment: This sequence change replaces valine, which is neutral and non-polar, with isoleucine, which is neutral and non-polar, at codon 239 of the SERPINB7 protein (p.Val239Ile). This variant is present in population databases (rs374861587, gnomAD 0.02%). This variant has not been reported in the literature in individuals affected with SERPINB7-related conditions. ClinVar contains an entry for this variant (Variation ID: 2157238). An algorithm developed to predict the effect of missense changes on protein structure and function outputs the following: PolyPhen-2: "Benign". The isoleucine amino acid residue is found in multiple mammalian species, which suggests that this missense change does not adversely affect protein function. In summary, the available evidence is currently insufficient to determine the role of this variant in disease. Therefore, it has been classified as a Variant of Uncertain Significance.